The following is an entry in ClinVar:

ClinVar aggregate classification (germline): Uncertain significance (1 of 4 stars; one submission).

Conditions:
Deficiency of hydroxymethylglutaryl-CoA lyase (HMGCLD). Also called: HMGCL DEFICIENCY; HYDROXYMETHYLGLUTARIC ACIDURIA; HMG-CoA LYASE DEFICIENCY; Defect in leucine metabolism; 3-hydroxy-3-methylglutaric aciduria. Identifiers: Orphanet 20, MedGen C1533587, MONDO:0009520, OMIM 246450.

Allele frequency attached by ClinVar (database versions not stated): gnomAD exomes below 0.00001; ExAC 0.00001.
gnomAD v4.1: 2 of 1,614,020 alleles (0.00012%); highest among the groups gnomAD compares: Non-Finnish European, 0.00017%; no homozygotes.

Submission:

Labcorp Genetics (formerly Invitae), Labcorp
Classification: Uncertain significance for Deficiency of hydroxymethylglutaryl-CoA lyase. Last evaluated: 2022-07-05. Review status: criteria provided, single submitter. Criteria: Invitae Variant Classification Sherloc (09022015). Collection method: clinical testing. Allele origin: germline.
Comment: This sequence change replaces valine, which is neutral and non-polar, with isoleucine, which is neutral and non-polar, at codon 221 of the HMGCL protein (p.Val221Ile). This variant is not present in population databases (gnomAD no frequency). This variant has not been reported in the literature in individuals affected with HMGCL-related conditions. ClinVar contains an entry for this variant (Variation ID: 1473617). Algorithms developed to predict the effect of missense changes on protein structure and function (SIFT, PolyPhen-2, Align-GVGD) all suggest that this variant is likely to be disruptive. In summary, the available evidence is currently insufficient to determine the role of this variant in disease. Therefore, it has been classified as a Variant of Uncertain Significance.

NM_000191.3(HMGCL):c.661G>A (p.Val221Ile)

Gene: HMGCL (3-hydroxy-3-methylglutaryl-CoA lyase; minus strand). Cytogenetic location: 1p36.11.
Variant type: single nucleotide variant.
Coding change: c.661G>A on transcript NM_000191.3 (MANE Select); coding-DNA position 661, G replaced by A.
Protein change: p.Val221Ile; replaces valine 221 with isoleucine.
Molecular consequence: missense variant.
Genome position (GRCh38, 1-based): chr1:23,808,224, C>T on the plus strand (G>A on the coding strand, the complement: HMGCL is on the minus strand). VCF-style: chr1-23808224-C-T. GRCh37 (hg19) VCF-style: chr1-24134714-C-T.
Other names: c.448G>A, p.Val150Ile (NM_001166059.2); short protein forms V150I, V221I.
Identifiers: ClinVar variation 1473617 (VCV001473617.3), dbSNP rs745624801, ClinGen allele CA686009.